The following is an entry in ClinVar:

NM_173076.3(ABCA12):c.2140C>T (p.Arg714Ter)

Gene: ABCA12 (ATP binding cassette subfamily A member 12; minus strand). Cytogenetic location: 2q35.
Variant type: single nucleotide variant.
Coding change: c.2140C>T on transcript NM_173076.3 (MANE Select); coding-DNA position 2140, C replaced by T.
Protein change: p.Arg714Ter; replaces arginine 714 with a stop codon.
Molecular consequence: nonsense. On other transcripts: non-coding transcript variant (1).
Genome position (GRCh38, 1-based): chr2:215,011,631, G>A on the plus strand (C>T on the coding strand, the complement: ABCA12 is on the minus strand). VCF-style: chr2-215011631-G-A. GRCh37 (hg19) VCF-style: chr2-215876355-G-A.
Other names: c.1186C>T, p.Arg396Ter (NM_015657.4); short protein forms R714*, R396*.
Identifiers: ClinVar variation 265001 (VCV000265001.7), dbSNP rs763481375, ClinGen allele CA2092022.

ClinVar aggregate classification (germline): Pathogenic. Review status: criteria provided, multiple submitters, no conflicts (2 of 4 stars). 3 submissions from 3 submitters: Pathogenic (3). Last evaluated 2025-12-19.

Conditions:
Autosomal recessive congenital ichthyosis 4A (LI2). Also called: ICHTHYOSIS CONGENITA IIB. Identifiers: Orphanet 313, MedGen C1832550, MONDO:0011026, OMIM 601277.
Autosomal recessive congenital ichthyosis 4B (ARCI4B). Also called: ICHTHYOSIS CONGENITA, HARLEQUIN FETUS TYPE; Ichthyosis, congenital, autosomal recessive 4B (harlequin); Harlequin Fetus; HARLEQUIN ICHTHYOSIS. Identifiers: Orphanet 457, MedGen C0598226, MONDO:0009443, OMIM 242500.

Allele frequency attached by ClinVar (database versions not stated): ExAC 0.00002.
gnomAD v4.1: 18 of 1,613,914 alleles (0.0011%); highest among the groups gnomAD compares: Non-Finnish European, 0.0013%; no homozygotes.

Submissions (3):

Labcorp Genetics (formerly Invitae), Labcorp
Classification: Pathogenic. Last evaluated: 2025-12-19. Review status: criteria provided, single submitter. Criteria: Invitae Variant Classification Sherloc (09022015). Collection method: clinical testing. Allele origin: germline.
Comment: This sequence change creates a premature translational stop signal (p.Arg714*) in the ABCA12 gene. It is expected to result in an absent or disrupted protein product. Loss-of-function variants in ABCA12 are known to be pathogenic (PMID: 20672373). This variant is present in population databases (rs763481375, gnomAD 0.02%). This premature translational stop signal has been observed in individual(s) with autosomal recessive congenital ichthyosis (PMID: 16902423, 36980989). ClinVar contains an entry for this variant (Variation ID: 265001). For these reasons, this variant has been classified as Pathogenic.

Fulgent Genetics
Classification: Pathogenic for Autosomal recessive congenital ichthyosis 4B; Autosomal recessive congenital ichthyosis 4A. Last evaluated: 2024-05-14. Review status: criteria provided, single submitter. Criteria: ACMG Guidelines, 2015. Collection method: clinical testing. Allele origin: germline.

GeneDx
Classification: Pathogenic. Last evaluated: 2019-03-18. Review status: criteria provided, single submitter. Criteria: GeneDx Variant Classification Process June 2021. Collection method: clinical testing. Allele origin: germline. Affected: yes.
Comment: Nonsense variant predicted to result in protein truncation or nonsense mediated decay in a gene for which loss-of-function is a known mechanism of disease; This variant is associated with the following publications: (PMID: 25525159, 29431110, 16902423)

Literature cited by the submitters: PubMed 20672373 (cited by Labcorp Genetics (formerly Invitae), Labcorp); PubMed 16902423 (cited by Labcorp Genetics (formerly Invitae), Labcorp); PubMed 36980989 (cited by Labcorp Genetics (formerly Invitae), Labcorp).